The following is an entry in ClinVar:

NM_145290.4(ADGRA3):c.1310C>T (p.Ala437Val)

Gene: ADGRA3 (adhesion G protein-coupled receptor A3; minus strand). Cytogenetic location: 4p15.2.
Variant type: single nucleotide variant.
Coding change: c.1310C>T on transcript NM_145290.4 (MANE Select); coding-DNA position 1310, C replaced by T.
Protein change: p.Ala437Val; replaces alanine 437 with valine.
Molecular consequence: missense variant.
Genome position (GRCh38, 1-based): chr4:22,435,444, G>A on the plus strand (C>T on the coding strand, the complement: ADGRA3 is on the minus strand). VCF-style: chr4-22435444-G-A. GRCh37 (hg19) VCF-style: chr4-22437067-G-A.
Other names: c.1310C>T (NM_145290.2); short protein forms A437V.
Identifiers: ClinVar variation 1925392 (VCV001925392.6), dbSNP rs769737129, ClinGen allele CA2873990.

ClinVar aggregate classification (germline): Uncertain significance. Review status: criteria provided, multiple submitters, no conflicts (2 of 4 stars). 2 submissions from 2 submitters: Uncertain significance (2). Last evaluated 2025-04-24.

Allele frequency attached by ClinVar (database versions not stated): TOPMed below 0.00001; ExAC 0.00001; gnomAD exomes 0.00001.
gnomAD v4.1: 7 of 1,602,952 alleles (0.00044%); highest among the groups gnomAD compares: Non-Finnish European, 0.0006%; no homozygotes.

Submissions (2):

Ambry Genetics
Classification: Uncertain significance. Last evaluated: 2025-04-24. Review status: criteria provided, single submitter. Criteria: Ambry Variant Classification Scheme 2023. Collection method: clinical testing. Allele origin: germline.

Labcorp Genetics (formerly Invitae), Labcorp
Classification: Uncertain significance. Last evaluated: 2024-10-16. Review status: criteria provided, single submitter. Criteria: Invitae Variant Classification Sherloc (09022015). Collection method: clinical testing. Allele origin: germline.
Comment: This sequence change replaces alanine, which is neutral and non-polar, with valine, which is neutral and non-polar, at codon 437 of the ADGRA3 protein (p.Ala437Val). This variant is present in population databases (rs769737129, gnomAD 0.002%). This variant has not been reported in the literature in individuals affected with ADGRA3-related conditions. ClinVar contains an entry for this variant (Variation ID: 1925392). An algorithm developed to predict the effect of missense changes on protein structure and function (PolyPhen-2) suggests that this variant is likely to be tolerated. In summary, the available evidence is currently insufficient to determine the role of this variant in disease. Therefore, it has been classified as a Variant of Uncertain Significance.